The following is an entry in ClinVar:

ClinVar aggregate classification (germline): Uncertain significance. Review status: criteria provided, multiple submitters, no conflicts (2 of 4 stars). 2 submissions from 2 submitters: Uncertain significance (2). Last evaluated 2025-11-03.

Conditions:
Inborn genetic diseases. Identifiers: MedGen C0950123, MeSH D030342.

gnomAD v4.1: 10 of 1,611,342 alleles (0.00062%); highest among the groups gnomAD compares: South Asian, 0.0033%; no homozygotes.

Submissions (2):

Ambry Genetics
Classification: Uncertain significance for Inborn genetic diseases. Last evaluated: 2025-11-03. Review status: criteria provided, single submitter. Criteria: Ambry Variant Classification Scheme 2023. Collection method: clinical testing. Allele origin: germline.
Comment: The c.2698C>T (p.R900W) alteration is located in exon 13 (coding exon 12) of the HECW2 gene. This alteration results from a C to T substitution at nucleotide position 2698, causing the arginine (R) at amino acid position 900 to be replaced by a tryptophan (W). Based on data from gnomAD, the T allele has an overall frequency of <0.001% (1/248266) total alleles studied. The highest observed frequency was 0.003% (1/30152) of South Asian alleles. Based on insufficient or conflicting evidence, the clinical significance of this alteration remains unclear.

CeGaT Center for Human Genetics Tuebingen
Classification: Uncertain significance. Last evaluated: 2023-08-01. Review status: criteria provided, single submitter. Criteria: CeGaT Center For Human Genetics Tuebingen Variant Classification Criteria Version 2. Collection method: clinical testing. Allele origin: germline. Affected: yes. Observed: 1 variant allele.
Comment: HECW2: PM2:Supporting

NM_001348768.2(HECW2):c.2698C>T (p.Arg900Trp)

Gene: HECW2 (HECT, C2 and WW domain containing E3 ubiquitin protein ligase 2; minus strand). Cytogenetic location: 2q32.3.
Variant type: single nucleotide variant.
Coding change: c.2698C>T on transcript NM_001348768.2 (MANE Select); coding-DNA position 2698, C replaced by T.
Protein change: p.Arg900Trp; replaces arginine 900 with tryptophan.
Molecular consequence: missense variant.
Genome position (GRCh38, 1-based): chr2:196,306,604, G>A on the plus strand (C>T on the coding strand, the complement: HECW2 is on the minus strand). VCF-style: chr2-196306604-G-A. GRCh37 (hg19) VCF-style: chr2-197171328-G-A.
Other names: c.1630C>T, p.Arg544Trp (NM_001304840.3); c.2698C>T, p.Arg900Trp (NM_020760.4); c.2698C>T (NM_020760.1); short protein forms R544W, R900W.
Identifiers: ClinVar variation 2651784 (VCV002651784.24), dbSNP rs6729934, ClinGen allele CA62774375.